The following is an entry in ClinVar:

ClinVar aggregate classification (germline): Likely pathogenic. Review status: criteria provided, multiple submitters, no conflicts (2 of 4 stars). 2 submissions from 2 submitters: Likely pathogenic (2). Last evaluated 2024-06-07.

Conditions:
Mucopolysaccharidosis, MPS-II (MPS2). Also called: Mucopolysaccharidosis Type II; Sulfoiduronate sulfatase deficiency; SIDS deficiency; Mucopolysaccharidosis type 2; Attenuated MPS (subtype; formerly known as mild MPS II); Severe MPS II. Identifiers: Orphanet 580, Orphanet 79388, MedGen C0026705, MONDO:0010674, OMIM 309900.

Submissions (2):

Laboratory of Diagnosis and Therapy of Lysosomal Disorders, University of Padova
Classification: Likely pathogenic for Mucopolysaccharidosis, MPS-II. Last evaluated: 2024-06-07. Review status: criteria provided, single submitter. Criteria: ACMG Guidelines, 2015. Collection method: literature only. Allele origin: germline. Affected: yes. Observed: 1 variant allele.
Comment: Absent from controls (or at low frequency) in gnomAD database (PM2_Moderate), Missense variant in a gene with a low rate of benign missense variation (PP2_Supporting), Multiple lines of computational evidence support a deleterious effect (PP3_Supporting), Patient’s phenotype or family history highly specific for the disease (PP4_Strong)

Classification method: ACMG Guidelines [PMID:25741868] with modifications

Labcorp Genetics (formerly Invitae), Labcorp
Classification: Likely pathogenic for Mucopolysaccharidosis, MPS-II. Last evaluated: 2022-06-08. Review status: criteria provided, single submitter. Criteria: Invitae Variant Classification Sherloc (09022015). Collection method: clinical testing. Allele origin: germline.
Comment: This variant has not been reported in the literature in individuals affected with IDS-related conditions. This variant is not present in population databases (gnomAD no frequency). This sequence change replaces aspartic acid, which is acidic and polar, with asparagine, which is neutral and polar, at codon 275 of the IDS protein (p.Asp275Asn). In summary, the currently available evidence indicates that the variant is pathogenic, but additional data are needed to prove that conclusively. Therefore, this variant has been classified as Likely Pathogenic. This variant disrupts the p.Asp275 amino acid residue in IDS. Other variant(s) that disrupt this residue have been determined to be pathogenic (PMID: 27351199; Invitae). This suggests that this residue is clinically significant, and that variants that disrupt this residue are likely to be disease-causing. Advanced modeling of protein sequence and biophysical properties (such as structural, functional, and spatial information, amino acid conservation, physicochemical variation, residue mobility, and thermodynamic stability) performed at Invitae indicates that this missense variant is expected to disrupt IDS protein function.

Literature cited by the submitters: PubMed 36945845 (cited by Laboratory of Diagnosis and Therapy of Lysosomal Disorders, University of Padova); PubMed 27351199 (cited by Labcorp Genetics (formerly Invitae), Labcorp).

NM_000202.8(IDS):c.823G>A (p.Asp275Asn)

Genes: IDS (iduronate 2-sulfatase; minus strand), LOC106050102 (IDS recombination region; plus strand). Cytogenetic location: Xq28.
Variant type: single nucleotide variant.
Coding change: c.823G>A on transcript NM_000202.8 (MANE Select); coding-DNA position 823, G replaced by A.
Protein change: p.Asp275Asn; replaces aspartic acid 275 with asparagine.
Molecular consequence: missense variant. On other transcripts: non-coding transcript variant (1).
Genome position (GRCh38, 1-based): chrX:149,496,402, C>T on the plus strand (G>A on the coding strand, the complement: IDS is on the minus strand). VCF-style: chrX-149496402-C-T. GRCh37 (hg19) VCF-style: chrX-148577933-C-T.
Other names: c.553G>A, p.Asp185Asn (NM_001166550.4); c.823G>A, p.Asp275Asn (NM_006123.5); short protein forms D275N, D185N.
Identifiers: ClinVar variation 2003626 (VCV002003626.6), dbSNP rs1803781, ClinGen allele CA337036349.